The following is an entry in ClinVar:

NM_018685.5(ANLN):c.453G>C (p.Glu151Asp)

Gene: ANLN (anillin, actin binding protein; plus strand). Cytogenetic location: 7p14.2.
Variant type: single nucleotide variant.
Coding change: c.453G>C on transcript NM_018685.5 (MANE Select); coding-DNA position 453, G replaced by C.
Protein change: p.Glu151Asp; replaces glutamic acid 151 with aspartic acid.
Molecular consequence: missense variant.
Genome position (GRCh38, 1-based): chr7:36,399,359, G>C. VCF-style: chr7-36399359-G-C. GRCh37 (hg19) VCF-style: chr7-36438968-G-C.
Other names: c.453G>C, p.Glu151Asp (NM_001284301.3, NM_001284302.3); c.453G>C (NM_018685.4); short protein forms E151D.
Identifiers: ClinVar variation 2190267 (VCV002190267.5), dbSNP rs765120972, ClinGen allele CA4219343.

ClinVar aggregate classification (germline): Likely benign. Review status: criteria provided, multiple submitters, no conflicts (2 of 4 stars). 2 submissions from 2 submitters: Likely benign (2). Last evaluated 2025-12-14.

Conditions:
ANLN-related disorder. Also called: ANLN-related condition.

Allele frequency attached by ClinVar (database versions not stated): gnomAD 0.00001; TOPMed 0.00005; ExAC 0.00013.
gnomAD v4.1: 80 of 1,613,084 alleles (0.005%); highest among the groups gnomAD compares: Admixed American, 0.058%; no homozygotes.

Submissions (2):

PreventionGenetics, part of Exact Sciences
Classification: Likely benign for ANLN-related condition. Last evaluated: 2025-12-14. Review status: criteria provided, single submitter. Criteria: ACMG Guidelines, 2015. Collection method: clinical testing. Allele origin: germline.
Comment: This variant is classified as likely benign based on ACMG/AMP sequence variant interpretation guidelines (Richards et al. 2015 PMID: 25741868, with internal and published modifications).

Labcorp Genetics (formerly Invitae), Labcorp
Classification: Likely benign. Last evaluated: 2025-12-10. Review status: criteria provided, single submitter. Criteria: Invitae Variant Classification Sherloc (09022015). Collection method: clinical testing. Allele origin: germline.